The following is an entry in ClinVar:

NM_004407.4(DMP1):c.844C>A (p.Leu282Ile)

Genes: DMP1 (dentin matrix acidic phosphoprotein 1; plus strand), DMP1-AS1 (DMP1 and DSPP antisense RNA 1; minus strand). Cytogenetic location: 4q22.1.
Variant type: single nucleotide variant.
Coding change: c.844C>A on transcript NM_004407.4 (MANE Select); coding-DNA position 844, C replaced by A.
Protein change: p.Leu282Ile; replaces leucine 282 with isoleucine.
Molecular consequence: missense variant.
Genome position (GRCh38, 1-based): chr4:87,662,622, C>A. VCF-style: chr4-87662622-C-A. GRCh37 (hg19) VCF-style: chr4-88583774-C-A.
Other names: p.Leu282Ile; c.796C>A, p.Leu266Ile (NM_001079911.3); short protein forms L282I, L266I.
Identifiers: ClinVar variation 349979 (VCV000349979.64), dbSNP rs141979823, ClinGen allele CA3002101.
Genomic context (GRCh38, chr4:87,662,622, plus strand): 5'-CATCCCAGTAGGAAAATTTTTAGGAAGTCTCGCATCTCAGAGGAAGATGACAGAAGCGAG[C>A]TTGATGACAACAACACAATGGAAGAAGTCAAGAGTGACTCTACAGAAAACAGCAACTCCA-3'
Protein context (NP_004398.1, residues 272-292): RISEEDDRSE[Leu282Ile]DDNNTMEEVK

ClinVar aggregate classification (germline): Benign/Likely benign. Review status: criteria provided, multiple submitters, no conflicts (2 of 4 stars). 10 submissions from 10 submitters: Benign (4); Likely benign (4). 2 of the submissions do not count toward it. Last evaluated 2026-01-27.

Conditions:
Hypophosphatemic rickets, autosomal recessive, 1 (ARHR1). Also called: HYPOPHOSPHATEMIA, AUTOSOMAL RECESSIVE. Identifiers: Orphanet 289176, MedGen C4551495, MONDO:0009430, OMIM 241520. Disease mechanism: loss of function.

Allele frequency attached by ClinVar (database versions not stated): TOPMed 0.00251; 1000 Genomes Project 0.00260; ESP Exome Variant Server 0.00315; 1000 Genomes Project 30x 0.00219.

Submissions (10):

Labcorp Genetics (formerly Invitae), Labcorp
Classification: Benign. Last evaluated: 2026-01-27. Review status: criteria provided, single submitter. Criteria: Invitae Variant Classification Sherloc (09022015). Collection method: clinical testing. Allele origin: germline.

CeGaT Center for Human Genetics Tuebingen
Classification: Likely benign. Last evaluated: 2025-07-01. Review status: criteria provided, single submitter. Criteria: CeGaT Center For Human Genetics Tuebingen Variant Classification Criteria Version 2. Collection method: clinical testing. Allele origin: germline. Affected: yes. Observed: 3 variant alleles.
Comment: DMP1: BP4, BS2

Mayo Clinic Laboratories, Mayo Clinic
Classification: Benign. Last evaluated: 2023-11-03. Review status: criteria provided, single submitter. Criteria: ACMG Guidelines, 2015. Collection method: clinical testing. Allele origin: germline. Observed: 2 variant alleles.
Comment: BS1, BS2, BP4

GeneDx
Classification: Likely benign. Last evaluated: 2023-10-04. Review status: criteria provided, single submitter. Criteria: GeneDx Variant Classification Process June 2021. Collection method: clinical testing. Allele origin: germline. Affected: yes.
Comment: See Variant Classification Assertion Criteria.

Fulgent Genetics
Classification: Benign for Hypophosphatemic rickets, autosomal recessive, 1. Last evaluated: 2021-07-20. Review status: criteria provided, single submitter. Criteria: ACMG Guidelines, 2015. Collection method: clinical testing. Allele origin: unknown.

Centre for Mendelian Genomics, University Medical Centre Ljubljana
Classification: Benign for Hypophosphatemic rickets, autosomal recessive, 1. Last evaluated: 2018-10-15. Review status: criteria provided, single submitter. Criteria: ACMG Guidelines, 2015. Collection method: clinical testing. Allele origin: unknown. Affected: yes.
Comment: This variant was classified as: Benign. The following ACMG criteria were applied in classifying this variant: BS1,BS2.

Illumina Laboratory Services, Illumina
Classification: Likely benign for Hypophosphatemic rickets, autosomal recessive, 1. Last evaluated: 2018-01-12. Review status: criteria provided, single submitter. Criteria: ICSL Variant Classification Criteria 13 December 2019. Collection method: clinical testing. Allele origin: germline.
Comment: This variant was observed in the ICSL laboratory as part of a predisposition screen in an ostensibly healthy population. It had not been previously curated by ICSL or reported in the Human Gene Mutation Database (HGMD: prior to June 1st, 2018), and was therefore a candidate for classification through an automated scoring system. Utilizing variant allele frequency, disease prevalence and penetrance estimates, and inheritance mode, an automated score was calculated to assess if this variant is too frequent to cause the disease. Based on the score and internal cut-off values, a variant classified as likely benign is not then subjected to further curation. The score for this variant resulted in a classification of likely benign for this disease.

Breakthrough Genomics
Classification: Likely benign. Review status: criteria provided, single submitter. Criteria: ACMG Guidelines, 2015. Collection method: not provided. Allele origin: germline. Inheritance: Autosomal recessive inheritance. Affected: yes.

Clinical Genetics DNA and cytogenetics Diagnostics Lab, Erasmus MC, Erasmus Medical Center
Classification: Likely benign. Review status: no assertion criteria provided. Collection method: clinical testing. Allele origin: germline. Affected: yes. Study: VKGL Data-share Consensus. Not counted in ClinVar's aggregate classification.

Laboratory of Diagnostic Genome Analysis, Leiden University Medical Center (LUMC)
Classification: Likely benign. Review status: no assertion criteria provided. Collection method: clinical testing. Allele origin: germline. Affected: yes. Study: VKGL Data-share Consensus. Not counted in ClinVar's aggregate classification.